The following continues an entry in ClinVar:

NM_000372.5(TYR):c.1205G>A (p.Arg402Gln)

Gene: TYR. ClinVar aggregate classification (germline): Conflicting classifications of pathogenicity; other. Pathogenic (2); Likely pathogenic (1); Uncertain significance (10); Benign (2); Likely benign (2).

Submissions 12 to 25 of 29:

Genetic Services Laboratory, University of Chicago
Classification: other. Last evaluated: 2021-05-24. Review status: criteria provided, single submitter. Criteria: ACMG Guidelines, 2015. Collection method: clinical testing. Allele origin: germline. Affected: no.
Comment: DNA sequence analysis of the TYR gene demonstrated a sequence change, c.1205G>A, in exon 4 that results in an amino acid change, p.Arg402Gln. The p.Arg402Gln substitution is a well-documented temperature-sensitive reduced function allele that alone is not sufficient to cause an oculocutaneous albinism phenotype. However, the p.Arg402Gln substitution, if found in compound heterozygous state with a pathogenic mutation, may be associated with a mild oculocutaneous albinism type 1B (OCA1B) or ocular albinism (OA) phenotype (PMIDs: 7704033, 19938076, 18463683, 18326704, 23504663). The p.Arg402Gln substitution has been described in the gnomAD database with a high population frequency of 28% in the European American population (dbSNP rs1126809). Some studies have suggested that the p.Arg402Gln substitution is not associated with mild OCA1B or OA phenotype, due to its high frequency in the general population and the presence of this variant in trans with a pathogenic variant in unaffected parents (PMID: 19208379). It has been proposed that the p.Arg402Gln variant causes a partial albinism phenotype only when paired with certain genetic backgrounds (PMIDs: 7704033, 19938076) and multiple studies have shown that the p.Arg402Gln variant is more common in OCA patients with one TYR pathogenic variant than in patients with two pathogenic variants (PMIDs: 18463683, 18326704, 19938076, 23504663).

Illumina Laboratory Services, Illumina
Classification: Uncertain significance for Oculocutaneous albinism type 1. Last evaluated: 2019-10-31. Review status: criteria provided, single submitter. Criteria: ICSLVariantClassificationCriteria RUGD 01 April 2020. Collection method: clinical testing. Allele origin: unknown.
Comment: The TYR c.1205G>A p.(Arg402Gln) missense variant has been has been identified in individuals with a phenotype consistent oculocutaneous albinism (Monfermé et al. 2019; Chiang et al. 2009; Monferme et al. 2019). While this variant has been seen in affected individuals carrying two variants in TYR, it has also been seen in a compound heterozygous state in asymptomatic individuals (Chiang et al. 2009; Oetting et al. 2009; Monfermé et al. 2019). Furthermore, segregation studies have shown discrepant results, whereby some unaffected family members have the same genotype as affected individuals (Oetting et al. 2009). This variant has been reported at a frequency of 0.2728 in the European (non-Finnish) population of the Genome Aggregation Database (version 2.1.1) including many homozygotes. Despite the high frequency, this variant is suggested to be a hypomorphic allele with very reduced penetrance and highly variable expressivity, resulting in a milder form of oculocutaneous albinism (Chiang et al. 2009; Monfermé et al. 2019; Wang and Chiang 2019). It has also been suggested that additional modifiers may be playing a role in disease etiology (Wang and Chiang 2019). Functional studies have shown a temperature-sensitive effect of this variant in HeLa cells, whereby tyrosinase activity was reduced in cells that were transfected with p.(Arg402Gln variant plasmids compared to wild-type at 37 degrees Celsius, but not at 31 degrees Celsius. The authors suggest protein misfolding occurs in the presence of the variant (Tripathi et al. 1991). Similarly, experiments in cultured human melanocytes showed reduced enzyme activity and protein expression in homozygous variant melanocytes at 37 degrees Celsius. Protein expression was also decreased in skin samples. Immunofluorescence studies showed that variant protein was only localized in the endoplasmic reticulum, while wild-type was also present in dendrites, suggested occurrence of protein misfolding. Of note, melanin levels were not different between variant and wild-type melanocytes (Jagirdar et al. 2014). This variant is located near a copper binding domain and other missense variants observed in this region have been identified in patients (Oetting 2000). Based on the collective evidence, the c.1205G>A p.(Arg402Gln) variant is classified as a variant of uncertain significance for oculocutaneous albinism type 1.

Centre for Mendelian Genomics, University Medical Centre Ljubljana
Classification: Uncertain significance for Oculocutaneous albinism type 1A. Last evaluated: 2019-08-19. Review status: criteria provided, single submitter. Criteria: ACMG Guidelines, 2015. Collection method: clinical testing. Allele origin: unknown. Affected: yes.
Comment: This variant was classified as: Uncertain significance. The available evidence favors the pathogenic nature of this variant, however the currently available data is insufficient to conclusively support its pathogenic nature. Thus this variant is classified as Uncertain significance - favor pathogenic. The following ACMG criteria were applied in classifying this variant: PS3,PP3,PP4,PP5,BA1. This variant was detected in homozygous state.

Mendelics
Classification: Likely benign for Oculocutaneous albinism type 1A. Last evaluated: 2019-05-28. Review status: criteria provided, single submitter. Criteria: Mendelics Assertion Criteria 2017. Collection method: clinical testing. Allele origin: unknown.

Eurofins Ntd Llc (ga)
Classification: Uncertain significance. Last evaluated: 2017-10-24. Review status: criteria provided, single submitter. Criteria: EGL Classification Definitions 2015. Collection method: clinical testing. Allele origin: germline. Observed: 23 variant alleles, 23 heterozygotes.

Institute of Human Genetics, University Hospital of Duesseldorf
Classification: Likely pathogenic for Oculocutaneous albinism type 1B. Review status: criteria provided, single submitter. Criteria: ACMG Guidelines, 2015. Collection method: not provided. Allele origin: germline. Inheritance: Autosomal recessive inheritance. Affected: yes.

PreventionGenetics, part of Exact Sciences
Classification: Uncertain significance. Review status: criteria provided, single submitter. Criteria: ACMG Guidelines, 2015. Collection method: clinical testing. Allele origin: germline.
Comment: This variant is very common in the general population, being documented in 27% of alleles in individuals of European (Non-Finnish) descent. Given the high allele frequency, including thousands of homozygotes this variant is not considered pathogenic individually. However, when this variant is in cis (present in the same copy of TYR) with the variant c.575C>A (p.Ser192Tyr), there is strong evidence that they create a pathogenic allele. Functional and phenotypic studies of the complex allele (p.[Arg402Gln;Ser192Tyr]; commonly referred to as a haplotype in the literature) indicate that the two substitutions have a compound effect on thermal stability of the protein and phenotypic spectrum of the individual (Tripathi et al. 1991. PubMed ID: 1820207; Chaki et al. 2011. PubMed ID: 20861851; Jagirdar et al. 2014. PubMed ID: 24739399). The p.[Arg402Gln;Ser192Tyr] allele is thought to be a recombination of the two individual variant alleles and is reported in ~1-2% of alleles (Jagirdar et al. 2014. PubMed ID: 24739399; Norman et al. 2017. PubMed ID: 28667292). However, this complex allele is enriched (up to 20%) in OCA patients with only one previously identified pathogenic variant in TYR (Lasseaux et al. 2018. PubMed ID: 29345414; Grønskov et al. 2019. PubMed ID: 30679655; Campbell et al. 2019. PubMed ID: 31719542). Given the evidence, we interpret the p.[Arg402Gln;Ser192Tyr] allele as likely pathogenic. When it is unclear whether the c.1205G>A (p.Arg402Gln) variant is part of the complex allele or not, then the clinical significance of it is uncertain.

Molecular Vision Laboratory
Classification: other for Autosomal recessive ocular albinism. Last evaluated: 2018-09-10. Review status: no assertion criteria provided. Collection method: clinical testing. Allele origin: germline. Affected: yes. Not counted in ClinVar's aggregate classification.
Comment: Autosomal recessive ocular albinism (AROA) has been linked to compound heterozygosity of TYR mutations with Arg402Gln. Arg402Gln has been shown to encode for a tyrosinase with reduced thermal stability suggesting a hypomorphic effect. The variant has reduced penetrance as there exists a discrepancy between expected incidence of Arg402Gln compound heterozygotes and AROA prevalence. Segregation studies have also revealed unaffected compound heterozygotes suggesting there are additional factors contributing to the AROA condition. Population allele frequency is high (gnomAD AF 0.19287) and there are unaffected homozygotes.

OMIM
Classification: Pathogenic for ALBINISM, OCULOCUTANEOUS, TYPE IB. Last evaluated: 2013-06-01. Review status: no assertion criteria provided. Collection method: literature only. Allele origin: germline. Not counted in ClinVar's aggregate classification.

OMIM
Classification: Pathogenic for ALBINISM, OCULOCUTANEOUS TYPE I, TEMPERATURE-SENSITIVE. Last evaluated: 2013-06-01. Review status: no assertion criteria provided. Collection method: literature only. Allele origin: germline. Not counted in ClinVar's aggregate classification.

OMIM
Classification: risk factor for MELANOMA, CUTANEOUS MALIGNANT, SUSCEPTIBILITY TO, 8. Last evaluated: 2013-06-01. Review status: no assertion criteria provided. Collection method: literature only. Allele origin: germline. Not counted in ClinVar's aggregate classification.

OMIM
Classification: association for SKIN/HAIR/EYE PIGMENTATION 3, LIGHT/DARK SKIN. Last evaluated: 2013-06-01. Review status: no assertion criteria provided. Collection method: literature only. Allele origin: germline. Not counted in ClinVar's aggregate classification.

OMIM
Classification: association for SKIN/HAIR/EYE PIGMENTATION 3, BLUE/GREEN EYES. Last evaluated: 2013-06-01. Review status: no assertion criteria provided. Collection method: literature only. Allele origin: germline. Not counted in ClinVar's aggregate classification.

Center of Medical Genetics and Primary Health Care
Classification: Likely benign for Breast Cancer. Review status: no assertion criteria provided. Collection method: clinical testing. Allele origin: germline. Affected: yes. Not counted in ClinVar's aggregate classification.